The following is an entry in ClinVar:

ClinVar aggregate classification (germline): Uncertain significance (1 of 4 stars; one submission).

Submission:

Ambry Genetics
Classification: Uncertain significance. Last evaluated: 2026-08-05. Review status: criteria provided, single submitter. Criteria: Ambry Variant Classification Scheme 2023. Collection method: clinical testing. Allele origin: germline.
Comment: The c.3881G>C (p.R1294P) alteration is located in exon 23 (coding exon 22) of the NINL gene. This alteration results from a G to C substitution at nucleotide position 3881, causing the arginine (R) at amino acid position 1294 to be replaced by a proline (P). Based on data from gnomAD, the C allele has an overall frequency of 0.007% (18/251474) total alleles studied. The highest observed frequency was 0.016% (1/6138) of Other alleles. Based on insufficient or conflicting evidence, the clinical significance of this alteration remains unclear.

NM_025176.6(NINL):c.3881G>C (p.Arg1294Pro)

Gene: NINL (ninein like; minus strand). Cytogenetic location: 20p11.21.
Variant type: single nucleotide variant.
Coding change: c.3881G>C on transcript NM_025176.6 (MANE Select); coding-DNA position 3881, G replaced by C.
Protein change: p.Arg1294Pro; replaces arginine 1294 with proline.
Molecular consequence: missense variant.
Genome position (GRCh38, 1-based): chr20:25,455,749, C>G on the plus strand (G>C on the coding strand, the complement: NINL is on the minus strand). VCF-style: chr20-25455749-C-G. GRCh37 (hg19) VCF-style: chr20-25436385-C-G.
Other names: c.2834G>C, p.Arg945Pro (NM_001318226.2); short protein forms R1294P, R945P.
Identifiers: ClinVar variation 5025745 (VCV005025745.1).